The following is an entry in ClinVar:

ClinVar aggregate classification (germline): Pathogenic. Review status: criteria provided, multiple submitters, no conflicts (2 of 4 stars). 2 submissions from 2 submitters: Pathogenic (2). Last evaluated 2023-07-18.

Conditions:
Duchenne muscular dystrophy (DMD). Also called: Duchenne Muscular Dystrophy (DMD); MUSCULAR DYSTROPHY, PSEUDOHYPERTROPHIC PROGRESSIVE, DUCHENNE TYPE. Identifiers: Orphanet 98896, MedGen C0013264, MONDO:0010679, OMIM 310200.

Submissions (2):

Revvity Omics, Revvity
Classification: Pathogenic. Last evaluated: 2023-07-18. Review status: criteria provided, single submitter. Criteria: ACMG Guidelines, 2015. Collection method: clinical testing. Allele origin: germline.

Labcorp Genetics (formerly Invitae), Labcorp
Classification: Pathogenic for Duchenne muscular dystrophy. Last evaluated: 2017-09-11. Review status: criteria provided, single submitter. Criteria: Invitae Variant Classification Sherloc (09022015). Collection method: clinical testing. Allele origin: germline.
Comment: This sequence change creates a premature translational stop signal (p.Leu880Tyrfs*11) in the DMD gene. It is expected to result in an absent or disrupted protein product. This variant is not present in population databases (ExAC no frequency). Loss-of-function variants in DMD are known to be pathogenic (PMID: 16770791, 25007885). For these reasons, this variant has been classified as Pathogenic. This variant has been reported to be de novo in an individual affected with Duchenne muscular dystrophy (PMID: 17041906). This variant has also been reported in an individual in the Leiden Open-source Variation Database (PMID: 21520333).

Literature cited by the submitters: PubMed 16770791 (cited by Labcorp Genetics (formerly Invitae), Labcorp); PubMed 25007885 (cited by Labcorp Genetics (formerly Invitae), Labcorp); PubMed 17041906 (cited by Labcorp Genetics (formerly Invitae), Labcorp); PubMed 21520333 (cited by Labcorp Genetics (formerly Invitae), Labcorp).

NM_004006.3(DMD):c.2638del (p.Leu880fs)

Gene: DMD (dystrophin; minus strand). Cytogenetic location: Xp21.1.
Variant type: Deletion.
Coding change: c.2638del on transcript NM_004006.3 (MANE Select); coding-DNA position 2638, one base deleted (C; older notation c.2638delC).
Protein change: p.Leu880fs; shifts the reading frame from leucine 880.
Molecular consequence: frameshift variant.
Genome position (GRCh38, 1-based): chrX:32,485,084, G deleted on the plus strand (C on the coding strand, the reverse complement: DMD is on the minus strand). VCF-style (leftmost placement, unchanged base first): chrX-32485083-AG-A. GRCh37 (hg19) VCF-style: chrX-32503200-AG-A.
Other names: c.2638del (NM_004006.2); c.2614del, p.Leu872fs (NM_000109.4); c.2626del, p.Leu876fs (NM_004009.3); c.2269del, p.Leu757fs (NM_004010.3); c.2638delC (NM_004006.2); short protein forms L757fs, L872fs, L876fs, L880fs.
Identifiers: ClinVar variation 526074 (VCV000526074.11), dbSNP rs1557380685, ClinGen allele CA658799655.